The following is an entry in ClinVar:

NM_001243133.2(NLRP3):c.1649A>G (p.Lys550Arg)

Gene: NLRP3 (NLR family pyrin domain containing 3; plus strand). Cytogenetic location: 1q44.
Variant type: single nucleotide variant.
Coding change: c.1649A>G on transcript NM_001243133.2 (MANE Select); coding-DNA position 1649, A replaced by G.
Protein change: p.Lys550Arg; replaces lysine 550 with arginine.
Molecular consequence: missense variant.
Genome position (GRCh38, 1-based): chr1:247,425,098, A>G. VCF-style: chr1-247425098-A-G. GRCh37 (hg19) VCF-style: chr1-247588400-A-G.
Other names: c.1649A>G, p.Lys550Arg (NM_001079821.3, NM_001127461.3, NM_001127462.3 and 1 more transcripts); c.1655A>G, p.Lys552Arg (NM_004895.5); short protein forms K550R, K552R.
Identifiers: ClinVar variation 3711967 (VCV003711967.2).
Genomic context (GRCh38, chr1:247,425,098, plus strand): 5'-TGTACTACCTGCTGGAAGAGGAAAAGGAAGGAAGGACGAACGTTCCAGGGAGTCGTTTGA[A>G]GCTTCCCAGCCGAGACGTGACAGTCCTTCTGGAAAACTATGGCAAATTCGAAAAGGGGTA-3'
Protein context (NP_001230062.1, residues 540-560): GRTNVPGSRL[Lys550Arg]LPSRDVTVLL

ClinVar aggregate classification (germline): Uncertain significance (1 of 4 stars; one submission).

Conditions:
Cryopyrin associated periodic syndrome (CAPS). Identifiers: Orphanet 208650, MedGen C2316212, MONDO:0016168.

gnomAD v4.1: 5 of 1,614,140 alleles (0.00031%); highest among the groups gnomAD compares: Admixed American, 0.0017%; no homozygotes.

Submission:

Labcorp Genetics (formerly Invitae), Labcorp
Classification: Uncertain significance for Cryopyrin associated periodic syndrome. Last evaluated: 2025-01-15. Review status: criteria provided, single submitter. Criteria: Invitae Variant Classification Sherloc (09022015). Collection method: clinical testing. Allele origin: germline.
Comment: This sequence change replaces lysine, which is basic and polar, with arginine, which is basic and polar, at codon 552 of the NLRP3 protein (p.Lys552Arg). This variant is present in population databases (no rsID available, gnomAD 0.003%). This variant has not been reported in the literature in individuals affected with NLRP3-related conditions. Invitae Evidence Modeling of protein sequence and biophysical properties (such as structural, functional, and spatial information, amino acid conservation, physicochemical variation, residue mobility, and thermodynamic stability) indicates that this missense variant is not expected to disrupt NLRP3 protein function with a negative predictive value of 95%. In summary, the available evidence is currently insufficient to determine the role of this variant in disease. Therefore, it has been classified as a Variant of Uncertain Significance.